The following is an entry in ClinVar:

NM_001204.7(BMPR2):c.862T>C (p.Cys288Arg)

Gene: BMPR2 (bone morphogenetic protein receptor type 2; plus strand). Cytogenetic location: 2q33.2.
Variant type: single nucleotide variant.
Coding change: c.862T>C on transcript NM_001204.7 (MANE Select); coding-DNA position 862, T replaced by C.
Protein change: p.Cys288Arg; replaces cysteine 288 with arginine.
Molecular consequence: missense variant.
Genome position (GRCh38, 1-based): chr2:202,520,096, T>C. VCF-style: chr2-202520096-T-C. GRCh37 (hg19) VCF-style: chr2-203384819-T-C.
Other names: short protein forms C288R.
Identifiers: ClinVar variation 3481358 (VCV003481358.1).

ClinVar aggregate classification (germline): Uncertain significance (1 of 4 stars; one submission).

Conditions:
Inborn genetic diseases. Identifiers: MedGen C0950123, MeSH D030342.

gnomAD v4.1: 3 of 1,610,652 alleles (0.00019%); highest among the groups gnomAD compares: Non-Finnish European, 0.00025%; no homozygotes.

Submission:

Ambry Genetics
Classification: Uncertain significance for Inborn genetic diseases. Last evaluated: 2024-12-09. Review status: criteria provided, single submitter. Criteria: Ambry Variant Classification Scheme 2023. Collection method: clinical testing. Allele origin: germline.
Comment: The p.C288R variant (also known as c.862T>C), located in coding exon 7 of the BMPR2 gene, results from a T to C substitution at nucleotide position 862. The cysteine at codon 288 is replaced by arginine, an amino acid with highly dissimilar properties. This amino acid position is conserved. In addition, the in silico prediction for this alteration is inconclusive. Based on the available evidence, the clinical significance of this variant remains unclear.